The following is an entry in ClinVar:

NC_000006.12:g.79536910_79538507del

Genes: SH3BGRL2 (SH3 domain binding glutamate rich protein like 2; plus strand), LCA5 (lebercilin LCA5; minus strand), LOC129996749 (ATAC-STARR-seq lymphoblastoid active region 24769; plus strand). Cytogenetic location: 6q14.1.
Variant type: Deletion.
Genome position: GRCh38: chr6:79,536,910-79,538,507. GRCh37 (hg19): chr6:80,246,627-80,248,224.
Other names: g.(-19612)-(-18015)del1598.
Identifiers: ClinVar variation 969 (VCV000000969.4), ClinGen allele CA339857.

ClinVar aggregate classification (germline): Pathogenic. Review status: no assertion criteria provided (0 of 4 stars). 2 submissions from 2 submitters: Pathogenic (2). Last evaluated 2013-05-02.

Conditions:
Leber congenital amaurosis 5 (LCA5). Also called: Amaurosis congenita of Leber, type 5. Identifiers: Orphanet 65, MedGen C1858301, MONDO:0011473, OMIM 604537.

Submissions (2):

GeneReviews
Classification: Pathogenic for Leber Congenital Amaurosis. Last evaluated: 2013-05-02. Review status: no assertion criteria provided. Collection method: curation. Allele origin: unknown.
ClinVar note: Converted during submission from pathologic to Pathogenic.

OMIM
Classification: Pathogenic for LEBER CONGENITAL AMAUROSIS 5. Last evaluated: 2007-07-01. Review status: no assertion criteria provided. Collection method: literature only. Allele origin: germline.

Literature cited by the submitters: PubMed 10631161 (cited by OMIM); PubMed 17546029 (cited by OMIM); PubMed 16123401 (cited by OMIM).